The following is an entry in ClinVar:

NM_000166.6(GJB1):c.297_299dup (p.Gln99dup)

Gene: GJB1 (gap junction protein beta 1; plus strand). Cytogenetic location: Xq13.1.
Variant type: Duplication.
Coding change: c.297_299dup on transcript NM_000166.6 (MANE Select); coding-DNA positions 297 to 299, 3 bases duplicated (ACA; older notation c.297_299dupACA).
Protein change: p.Gln99dup; duplicates glutamine 99.
Molecular consequence: inframe insertion.
Genome position (GRCh38, 1-based): chrX:71,224,004-71,224,006, ACA duplicated; duplicating any 3 consecutive bases within chrX:71,224,002-71,224,006 gives the same sequence; the c. name uses the placement nearest the transcript's 3' end. VCF-style (leftmost placement, unchanged base first): chrX-71224001-G-GCAA. GRCh37 (hg19) VCF-style: chrX-70443851-G-GCAA.
Other names: c.297_299dupACA (NM_000166.5); c.297_299dup (NM_000166.5); c.297_299dup, p.Gln99dup (NM_001097642.3).
Identifiers: ClinVar variation 572979 (VCV000572979.10), dbSNP rs1569215197, ClinGen allele CA891844219.

ClinVar aggregate classification (germline): Uncertain significance. Review status: criteria provided, multiple submitters, no conflicts (2 of 4 stars). 3 submissions from 3 submitters: Uncertain significance (3). Last evaluated 2024-12-06.

Conditions:
Charcot-Marie-Tooth Neuropathy X. Identifiers: MedGen CN118851.

Submissions (3):

GeneDx
Classification: Uncertain significance. Last evaluated: 2024-12-06. Review status: criteria provided, single submitter. Criteria: GeneDx Variant Classification Process June 2021. Collection method: clinical testing. Allele origin: germline. Affected: yes.
Comment: Not observed at significant frequency in large population cohorts (gnomAD); In-frame duplication of 1 amino acid with an unclear effect on protein function; This variant is associated with the following publications: (PMID: 24863494, 25614874, 37284795)

Athena Diagnostics
Classification: Uncertain significance. Last evaluated: 2024-09-11. Review status: criteria provided, single submitter. Criteria: Athena Diagnostics Criteria. Collection method: clinical testing. Allele origin: unknown.
Comment: Available data are insufficient to determine the clinical significance of the variant at this time. This variant has not been reported in large, multi-ethnic general populations. This variant has been identified in multiple unrelated individuals with clinical features associated with this gene. In some published literature, this variant is referred to as c.297_298insCAA (p.Gln99_His100insGln). Computational tools yielded predictions that this variant is unlikely to have an effect on normal RNA splicing.

Labcorp Genetics (formerly Invitae), Labcorp
Classification: Uncertain significance for Charcot-Marie-Tooth Neuropathy X. Last evaluated: 2023-02-28. Review status: criteria provided, single submitter. Criteria: Invitae Variant Classification Sherloc (09022015). Collection method: clinical testing. Allele origin: germline.
Comment: In summary, the available evidence is currently insufficient to determine the role of this variant in disease. Therefore, it has been classified as a Variant of Uncertain Significance. ClinVar contains an entry for this variant (Variation ID: 572979). This variant, c.297_299dup, results in the insertion of 1 amino acid(s) of the GJB1 protein (p.Gln99dup), but otherwise preserves the integrity of the reading frame. This variant is not present in population databases (gnomAD no frequency). This variant has been observed in individuals with clinical features of Charcot-Marie-Tooth disease (PMID: 24863494). This variant is also known as c.297_298insCAA; p.Gln99_His100insGln. Experimental studies and prediction algorithms are not available or were not evaluated, and the functional significance of this variant is currently unknown.

Literature cited by the submitters: PubMed 24863494 (cited by Athena Diagnostics and Labcorp Genetics (formerly Invitae), Labcorp); PubMed 37284795 (cited by Athena Diagnostics); PubMed 25614874 (cited by Athena Diagnostics); PubMed 25429913 (cited by Athena Diagnostics).